The following is an entry in ClinVar:

NM_004538.6(NAP1L3):c.160AGC[1] (p.Ser55_Ser56del)

Gene: NAP1L3 (nucleosome assembly protein 1 like 3; minus strand). Cytogenetic location: Xq21.32.
Variant type: Microsatellite.
Coding change: c.160AGC[1] on transcript NM_004538.6 (MANE Select); one copy of the 3-base unit AGC starting at c.160; the reference has three copies in a row; two copies, 6 bases deleted.
Protein change: p.Ser55_Ser56del.
Molecular consequence: inframe deletion.
Genome position (GRCh38, 1-based): chrX:93,673,137-93,673,142, GCTGCT deleted on the plus strand (AGCAGC on the coding strand, the reverse complement: NAP1L3 is on the minus strand); deleting any 6 consecutive bases within chrX:93,673,137-93,673,147 gives the same sequence; the position shown is the placement nearest the transcript's 3' end. VCF-style (leftmost placement, unchanged base first): chrX-93673136-CGCTGCT-C. GRCh37 (hg19) VCF-style: chrX-92928135-CGCTGCT-C.
Identifiers: ClinVar variation 3067425 (VCV003067425.21), dbSNP rs769918522, ClinGen allele CA10467647.
Genomic context (GRCh38, chrX:93,673,136, plus strand): 5'-TTCTATACAAGCGGCTGCGGCTGCTAGTGCTGCCGCTGCTGCTGCTGCTGCTGCCGCTGC[CGCTGCT>C]GCTGCCACTAGTGCTGCTGCTGCTGCTGCTGTCACTAGTGCTGCTGCTAGAGCTACTGCT-3'

ClinVar aggregate classification (germline): Likely benign (1 of 4 stars; one submission).

Submission:

CeGaT Center for Human Genetics Tuebingen
Classification: Likely benign. Last evaluated: 2024-03-01. Review status: criteria provided, single submitter. Criteria: CeGaT Center For Human Genetics Tuebingen Variant Classification Criteria Version 2. Collection method: clinical testing. Allele origin: germline. Affected: yes. Observed: 1 variant allele.
Comment: NAP1L3: BS2